The following is an entry in ClinVar:

NM_000083.3(CLCN1):c.2284+6G>A

Gene: CLCN1 (chloride voltage-gated channel 1; plus strand). Cytogenetic location: 7q34.
Variant type: single nucleotide variant.
Coding change: c.2284+6G>A on transcript NM_000083.3 (MANE Select); 6 bases into the intron after coding-DNA position 2284, G replaced by A.
Molecular consequence: intron variant.
Genome position (GRCh38, 1-based): chr7:143,346,257, G>A. VCF-style: chr7-143346257-G-A. GRCh37 (hg19) VCF-style: chr7-143043350-G-A.
Identifiers: ClinVar variation 2926436 (VCV002926436.3), dbSNP rs751572848, ClinGen allele CA4537609.

ClinVar aggregate classification (germline): Uncertain significance (1 of 4 stars; one submission).

Conditions:
Congenital myotonia, autosomal dominant form (THD). Also called: THOMSEN DISEASE; Myotonia congenita autosomal dominant. Identifiers: Orphanet 614, MedGen C2936781, MONDO:0008055, OMIM 160800.
Congenital myotonia, autosomal recessive form. Also called: BECKER DISEASE; Becker Generalized Myotonia; myotonia congenita, autosomal recessive. Identifiers: Orphanet 614, MedGen C0751360, MONDO:0009715, OMIM 255700.

gnomAD v4.1: 10 of 1,588,438 alleles (0.00063%); highest among the groups gnomAD compares: South Asian, 0.0011%; no homozygotes.

Submission:

Labcorp Genetics (formerly Invitae), Labcorp
Classification: Uncertain significance for Congenital myotonia, autosomal recessive form; Congenital myotonia, autosomal dominant form. Last evaluated: 2023-08-27. Review status: criteria provided, single submitter. Criteria: Invitae Variant Classification Sherloc (09022015). Collection method: clinical testing. Allele origin: germline.
Comment: This variant has not been reported in the literature in individuals affected with CLCN1-related conditions. The frequency data for this variant in the population databases is considered unreliable, as metrics indicate poor data quality at this position in the gnomAD database. This sequence change falls in intron 18 of the CLCN1 gene. It does not directly change the encoded amino acid sequence of the CLCN1 protein. It affects a nucleotide within the consensus splice site. Variants that disrupt the consensus splice site are a relatively common cause of aberrant splicing (PMID: 17576681, 9536098). Algorithms developed to predict the effect of sequence changes on RNA splicing suggest that this variant is not likely to affect RNA splicing. In summary, the available evidence is currently insufficient to determine the role of this variant in disease. Therefore, it has been classified as a Variant of Uncertain Significance.

Literature cited by the submitters: PubMed 17576681; PubMed 9536098.